The following is an entry in ClinVar:

ClinVar aggregate classification (germline): Likely benign. Review status: criteria provided, single submitter (1 of 4 stars). 2 submissions from 2 submitters: Likely benign (1). 1 of the submissions does not count toward it. Last evaluated 2024-07-20.

Conditions:
PHF21A-related disorder. Also called: PHF21A-related condition.

Submissions (2):

Labcorp Genetics (formerly Invitae), Labcorp
Classification: Likely benign. Last evaluated: 2024-07-20. Review status: criteria provided, single submitter. Criteria: Invitae Variant Classification Sherloc (09022015). Collection method: clinical testing. Allele origin: germline.

PreventionGenetics, part of Exact Sciences
Classification: Likely benign for PHF21A-related condition. Last evaluated: 2019-08-09. Review status: no assertion criteria provided. Collection method: clinical testing. Allele origin: germline. Not counted in ClinVar's aggregate classification.
Comment: This variant is classified as likely benign based on ACMG/AMP sequence variant interpretation guidelines (Richards et al. 2015 PMID: 25741868, with internal and published modifications).

NM_001352027.3(PHF21A):c.1685-16_1685-3del

Gene: PHF21A (PHD finger protein 21A; minus strand). Cytogenetic location: 11p11.2.
Variant type: Deletion.
Coding change: c.1685-16_1685-3del on transcript NM_001352027.3 (MANE Select); 16 bases into the intron before coding-DNA position 1685 through 3 bases into the intron before coding-DNA position 1685, 14 bases deleted (TTTTTTTTTTTTTT).
Molecular consequence: intron variant.
Genome position (GRCh38, 1-based): chr11:45,935,742-45,935,755, AAAAAAAAAAAAAA deleted on the plus strand (TTTTTTTTTTTTTT on the coding strand, the reverse complement: PHF21A is on the minus strand); deleting any 14 consecutive bases within chr11:45,935,742-45,935,764 gives the same sequence; the c. name uses the placement nearest the transcript's 3' end. VCF-style (leftmost placement, unchanged base first): chr11-45935741-TAAAAAAAAAAAAAA-T. GRCh37 (hg19) VCF-style: chr11-45957292-TAAAAAAAAAAAAAA-T.
Other names: c.1544-16_1544-3del14 (NM_016621.3); c.1541-16_1541-3del (NM_001352030.3, NM_001352031.3, NM_001352032.3); c.1682-16_1682-3del (NM_001101802.3); c.1685-16_1685-3del (NM_001352026.3, NM_001352025.3); c.1544-16_1544-3del (NM_016621.5, NM_001352028.1, NM_001352029.1).
Identifiers: ClinVar variation 2703475 (VCV002703475.5), dbSNP rs35995547, ClinGen allele CA221609086.
Genomic context (GRCh38, chr11:45,935,741, plus strand): 5'-TCGTTCTTGTTTTAAATCTGAACTCCATTTAAGTAACTTCTGTTTCTCTTCTTCTTTTGC[TAAAAAAAAAAAAAA>T]AAAAAAAAAGGAACGGTTTTTGACAATTAATTCTTTGAAATGTCCTCTGTGCTCAGAATG-3'